The following is an entry in ClinVar:

ClinVar aggregate classification (germline): Conflicting classifications of pathogenicity. Review status: criteria provided, conflicting classifications (1 of 4 stars). 4 submissions from 4 submitters: Uncertain significance (2); Likely benign (2). Last evaluated 2025-10-27.

Conditions:
Hereditary cancer-predisposing syndrome. Also called: Neoplastic Syndromes, Hereditary; Tumor predisposition; Hereditary Cancer Syndrome; Hereditary neoplastic syndrome. Identifiers: Orphanet 140162, MedGen C0027672, MeSH D009386, MONDO:0015356.
Hereditary breast ovarian cancer syndrome. Also called: Hereditary breast and ovarian cancer syndrome; Hereditary breast and ovarian cancer; Hereditary breast and ovarian cancer syndrome (HBOC); Breast and ovarian cancer; Hereditary breast and/or ovarian cancer syndrome; BRCA1- and BRCA2-Associated Hereditary Breast and Ovarian Cancer. Identifiers: Orphanet 145, MedGen C0677776, MeSH D061325, MONDO:0003582. Disease mechanism: loss of function.

Submissions (4):

Labcorp Genetics (formerly Invitae), Labcorp
Classification: Uncertain significance for Hereditary breast ovarian cancer syndrome. Last evaluated: 2025-10-27. Review status: criteria provided, single submitter. Criteria: Invitae Variant Classification Sherloc (09022015). Collection method: clinical testing. Allele origin: germline.
Comment: This sequence change replaces serine, which is neutral and polar, with asparagine, which is neutral and polar, at codon 1722 of the BRCA2 protein (p.Ser1722Asn). This variant is not present in population databases (gnomAD no frequency). This variant has not been reported in the literature in individuals affected with BRCA2-related conditions. ClinVar contains an entry for this variant (Variation ID: 485441). Invitae Evidence Modeling of protein sequence and biophysical properties (such as structural, functional, and spatial information, amino acid conservation, physicochemical variation, residue mobility, and thermodynamic stability) indicates that this missense variant is not expected to disrupt BRCA2 protein function with a negative predictive value of 95%. In summary, the available evidence is currently insufficient to determine the role of this variant in disease. Therefore, it has been classified as a Variant of Uncertain Significance.

Color Diagnostics, LLC DBA Color Health
Classification: Uncertain significance for Hereditary cancer-predisposing syndrome. Last evaluated: 2023-12-05. Review status: criteria provided, single submitter. Criteria: ACMG Guidelines, 2015. Collection method: clinical testing. Allele origin: germline.
Comment: This missense variant replaces serine with asparagine at codon 1722 of the BRCA2 protein. Computational prediction suggests that this variant may not impact protein structure and function (internally defined REVEL score threshold <= 0.5, PMID: 27666373). To our knowledge, functional studies have not been reported for this variant. This variant has not been reported in individuals affected with BRCA2-related disorders in the literature. This variant has not been identified in the general population by the Genome Aggregation Database (gnomAD). The available evidence is insufficient to determine the role of this variant in disease conclusively. Therefore, this variant is classified as a Variant of Uncertain Significance.

University of Washington Department of Laboratory Medicine, University of Washington
Classification: Likely benign for Hereditary cancer-predisposing syndrome. Last evaluated: 2023-03-23. Review status: criteria provided, single submitter. Criteria: Dines et al. (Genet Med. 2020). Collection method: curation. Allele origin: germline.
Comment: Missense variant in a coldspot region where missense variants are very unlikely to be pathogenic (PMID:31911673).

BRCA2 exon 11 coldspot. Reclassification based on statistical prior probability.

Ambry Genetics
Classification: Likely benign for Hereditary cancer-predisposing syndrome. Last evaluated: 2017-06-21. Review status: criteria provided, single submitter. Criteria: Ambry Variant Classification Scheme 2023. Collection method: clinical testing. Allele origin: germline.

NM_000059.4(BRCA2):c.5165G>A (p.Ser1722Asn)

Gene: BRCA2 (BRCA2 DNA repair associated; plus strand). Cytogenetic location: 13q13.1.
Variant type: single nucleotide variant.
Coding change: c.5165G>A on transcript NM_000059.4 (MANE Select); coding-DNA position 5165, G replaced by A.
Protein change: p.Ser1722Asn; replaces serine 1722 with asparagine.
Molecular consequence: missense variant.
Genome position (GRCh38, 1-based): chr13:32,339,520, G>A. VCF-style: chr13-32339520-G-A. GRCh37 (hg19) VCF-style: chr13-32913657-G-A.
Other names: short protein forms S1722N.
Identifiers: ClinVar variation 485441 (VCV000485441.14), dbSNP rs773707172, ClinGen allele CA387784251.
Genomic context (GRCh38, chr13:32,339,520, plus strand): 5'-CAGAAAGAATAAATACTGCAGATTATGTAGGAAATTATTTGTATGAAAATAATTCAAACA[G>A]TACTATAGCTGAAAATGACAAAAATCATCTCTCCGAAAAACAAGATACTTATTTAAGTAA-3'
Protein context (NP_000050.3, residues 1712-1732): GNYLYENNSN[Ser1722Asn]TIAENDKNHL